The following is an entry in ClinVar:

ClinVar aggregate classification (germline): Uncertain significance. Review status: criteria provided, multiple submitters, no conflicts (2 of 4 stars). 2 submissions from 2 submitters: Uncertain significance (2). Last evaluated 2025-08-05.

Conditions:
TTN-related disorder. Also called: TTN-related disorders; TTN-related condition; TTN-related disease.

Allele frequency attached by ClinVar (database versions not stated): gnomAD exomes below 0.00001; gnomAD 0.00001; TOPMed 0.00001.

Submissions (2):

PreventionGenetics, part of Exact Sciences
Classification: Uncertain significance for TTN-related condition. Last evaluated: 2025-08-05. Review status: criteria provided, single submitter. Criteria: ACMG Guidelines, 2015. Collection method: clinical testing. Allele origin: germline.
Comment: The TTN c.9174A>G variant is predicted to result in the amino acid substitution p.Ile3058Met. To our knowledge, this variant has not been reported in the literature. This variant is reported in 0.0062% of alleles in individuals of African descent in gnomAD. At this time, the clinical significance of this variant is uncertain due to the absence of conclusive functional and genetic evidence.

Mayo Clinic Laboratories, Mayo Clinic
Classification: Uncertain significance. Last evaluated: 2021-06-30. Review status: criteria provided, single submitter. Criteria: ACMG Guidelines, 2015. Collection method: clinical testing. Allele origin: germline.

NM_001267550.2(TTN):c.9174A>G (p.Ile3058Met)

Gene: TTN (titin; minus strand). Cytogenetic location: 2q31.2.
Variant type: single nucleotide variant.
Coding change: c.9174A>G on transcript NM_001267550.2 (MANE Select); coding-DNA position 9174, A replaced by G.
Protein change: p.Ile3058Met; replaces isoleucine 3058 with methionine.
Molecular consequence: missense variant.
Genome position (GRCh38, 1-based): chr2:178,768,145, T>C on the plus strand (A>G on the coding strand, the complement: TTN is on the minus strand). VCF-style: chr2-178768145-T-C. GRCh37 (hg19) VCF-style: chr2-179632872-T-C.
Other names: p.Ile3058Met; c.9174A>G, p.Ile3058Met (NM_001256850.1, NM_133378.4, NM_133379.5); c.9036A>G, p.Ile3012Met (NM_003319.4, NM_133432.3, NM_133437.4); short protein forms I3012M, I3058M.
Identifiers: ClinVar variation 1693851 (VCV001693851.5), dbSNP rs1442547576, ClinGen allele CA349675746.